The following is an entry in ClinVar:

NM_001733.7(C1R):c.1137C>G (p.Pro379=)

Gene: C1R (complement C1r; minus strand). Cytogenetic location: 12p13.31.
Variant type: single nucleotide variant.
Coding change: c.1137C>G on transcript NM_001733.7 (MANE Select); coding-DNA position 1137, C replaced by G.
Protein change: p.Pro379=; no amino-acid change (proline 379 retained).
Molecular consequence: synonymous variant.
Genome position (GRCh38, 1-based): chr12:7,085,997, G>C on the plus strand (C>G on the coding strand, the complement: C1R is on the minus strand). VCF-style: chr12-7085997-G-C.
Other names: p.Pro379=; c.1179C>G, p.Pro393= (NM_001354346.2).
Identifiers: ClinVar variation 4683722 (VCV004683722.2).

ClinVar aggregate classification (germline): Benign/Likely benign. Review status: criteria provided, multiple submitters, no conflicts (2 of 4 stars). 2 submissions from 2 submitters: Benign (1); Likely benign (1). Last evaluated 2026-04-15.

Submissions (2):

Women's Health and Genetics/Laboratory Corporation of America, LabCorp
Classification: Benign. Last evaluated: 2026-04-15. Review status: criteria provided, single submitter. Criteria: LabCorp Variant Classification Summary - May 2015. Collection method: clinical testing. Allele origin: germline.
Comment: Variant summary: C1R c.1137C>G, also known as NM_001733.7: c.1371C>G (p.Pro379=) in RefSeq, alters a conserved nucleotide resulting in a synonymous change. Consensus agreement among computation tools predict no significant impact on normal splicing. However, these predictions have yet to be confirmed by functional studies. The variant allele was found at a frequency of 0.00026 in 238556 control chromosomes. The observed variant frequency exceeds the estimated maximal expected allele frequency for disease-causing variants in C1R. To our knowledge, no occurrence of c.1137C>G in individuals affected with C1R-related conditions and no experimental evidence demonstrating its impact on protein function have been reported. No submitters have cited clinical-significance assessments for this variant to ClinVar. Based on the evidence outlined above, the variant was classified as benign.

Mayo Clinic Laboratories, Mayo Clinic
Classification: Likely benign. Last evaluated: 2025-09-11. Review status: criteria provided, single submitter. Criteria: ACMG Guidelines, 2015. Collection method: clinical testing. Allele origin: germline. Observed: 1 variant allele.
Comment: BS1, BP4, BP7